The following is an entry in ClinVar:

ClinVar aggregate classification (germline): Likely benign. Review status: criteria provided, multiple submitters, no conflicts (2 of 4 stars). 3 submissions from 3 submitters: Likely benign (3). Last evaluated 2025-12-14.

Conditions:
DICER1-related tumor predisposition. Also called: DICER1-related pleuropulmonary blastoma cancer predisposition syndrome; DICER1 syndrome. Identifiers: Orphanet 284343, MedGen C3839822, MONDO:0100216.
Hereditary cancer-predisposing syndrome. Also called: Tumor predisposition; Hereditary Cancer Syndrome; Hereditary neoplastic syndrome; Neoplastic Syndromes, Hereditary. Identifiers: Orphanet 140162, MedGen C0027672, MeSH D009386, MONDO:0015356.

Allele frequency attached by ClinVar (database versions not stated): gnomAD exomes below 0.00001 and 0.00001; gnomAD 0.00001; TOPMed 0.00003.
gnomAD v4.1: 4 of 1,613,352 alleles (0.00025%); highest among the groups gnomAD compares: Admixed American, 0.0033%; no homozygotes.

Submissions (3):

Labcorp Genetics (formerly Invitae), Labcorp
Classification: Likely benign for DICER1-related tumor predisposition. Last evaluated: 2025-12-14. Review status: criteria provided, single submitter. Criteria: Invitae Variant Classification Sherloc (09022015). Collection method: clinical testing. Allele origin: germline.

CeGaT Center for Human Genetics Tuebingen
Classification: Likely benign. Last evaluated: 2025-08-01. Review status: criteria provided, single submitter. Criteria: CeGaT Center For Human Genetics Tuebingen Variant Classification Criteria Version 2. Collection method: clinical testing. Allele origin: germline. Affected: yes. Observed: 1 variant allele.
Comment: DICER1: BP4, BP7

Ambry Genetics
Classification: Likely benign for Hereditary cancer-predisposing syndrome. Last evaluated: 2019-09-28. Review status: criteria provided, single submitter. Criteria: Ambry Variant Classification Scheme 2023. Collection method: clinical testing. Allele origin: germline.

NM_177438.3(DICER1):c.2649T>C (p.Val883=)

Gene: DICER1 (dicer 1, ribonuclease III; minus strand). Cytogenetic location: 14q32.13.
Variant type: single nucleotide variant.
Coding change: c.2649T>C on transcript NM_177438.3 (MANE Select); coding-DNA position 2649, T replaced by C.
Protein change: p.Val883=; no amino-acid change (valine 883 retained).
Molecular consequence: synonymous variant.
Genome position (GRCh38, 1-based): chr14:95,107,881, A>G on the plus strand (T>C on the coding strand, the complement: DICER1 is on the minus strand). VCF-style: chr14-95107881-A-G. GRCh37 (hg19) VCF-style: chr14-95574218-A-G.
Other names: c.2649T>C, p.Val883= (NM_001195573.1, NM_001271282.3, NM_001291628.2 and 1 more transcripts).
Identifiers: ClinVar variation 573673 (VCV000573673.22), dbSNP rs981585657, ClinGen allele CA265909365.